The following is an entry in ClinVar:

NM_012254.3(SLC27A5):c.1124G>A (p.Gly375Asp)

Gene: SLC27A5 (solute carrier family 27 member 5; minus strand). Cytogenetic location: 19q13.43.
Variant type: single nucleotide variant.
Coding change: c.1124G>A on transcript NM_012254.3 (MANE Select); coding-DNA position 1124, G replaced by A.
Protein change: p.Gly375Asp; replaces glycine 375 with aspartic acid.
Molecular consequence: missense variant.
Genome position (GRCh38, 1-based): chr19:58,501,344, C>T on the plus strand (G>A on the coding strand, the complement: SLC27A5 is on the minus strand). VCF-style: chr19-58501344-C-T. GRCh37 (hg19) VCF-style: chr19-59012711-C-T.
Other names: p.Gly375Asp; c.872G>A, p.Gly291Asp (NM_001321196.2); short protein forms G291D, G375D.
Identifiers: ClinVar variation 2629435 (VCV002629435.2), dbSNP rs576650741, ClinGen allele CA9718100.

ClinVar aggregate classification (germline): Uncertain significance. Review status: criteria provided, multiple submitters, no conflicts (2 of 4 stars). 2 submissions from 2 submitters: Uncertain significance (2). Last evaluated 2023-06-12.

Conditions:
SLC27A5-related disorder. Also called: SLC27A5-related condition.

Allele frequency attached by ClinVar (database versions not stated): TOPMed 0.00003; gnomAD 0.00005; 1000 Genomes Project 30x 0.00047; 1000 Genomes Project 0.00060.
gnomAD v4.1: 85 of 1,613,852 alleles (0.0053%); highest among the groups gnomAD compares: South Asian, 0.053%; no homozygotes.

Submissions (2):

Mayo Clinic Laboratories, Mayo Clinic
Classification: Uncertain significance. Last evaluated: 2023-06-12. Review status: criteria provided, single submitter. Criteria: ACMG Guidelines, 2015. Collection method: clinical testing. Allele origin: germline. Observed: 1 variant allele.
Comment: BP4

PreventionGenetics, part of Exact Sciences
Classification: Uncertain significance for SLC27A5-related condition. Last evaluated: 2022-08-30. Review status: criteria provided, single submitter. Criteria: ACMG Guidelines, 2015. Collection method: clinical testing. Allele origin: germline.
Comment: The SLC27A5 c.1124G>A variant is predicted to result in the amino acid substitution p.Gly375Asp. To our knowledge, this variant has not been reported in the literature. This variant is reported in 0.059% of alleles in individuals of South Asian descent in gnomAD. Although we suspect that this variant is benign, the clinical significance is uncertain due to the absence of conclusive functional and genetic evidence.